The following is an entry in ClinVar:

NM_018076.5(ODAD2):c.2979C>T (p.Asp993=)

Gene: ODAD2 (outer dynein arm docking complex subunit 2; minus strand). Cytogenetic location: 10p12.1.
Variant type: single nucleotide variant.
Coding change: c.2979C>T on transcript NM_018076.5 (MANE Select); coding-DNA position 2979, C replaced by T.
Protein change: p.Asp993=; no amino-acid change (aspartic acid 993 retained).
Molecular consequence: synonymous variant.
Genome position (GRCh38, 1-based): chr10:27,860,667, G>A on the plus strand (C>T on the coding strand, the complement: ODAD2 is on the minus strand). VCF-style: chr10-27860667-G-A. GRCh37 (hg19) VCF-style: chr10-28149596-G-A.
Other names: p.Asp993=; c.2979C>T, p.Asp993= (NM_001290020.2); c.1554C>T, p.Asp518= (NM_001290021.2); c.2055C>T, p.Asp685= (NM_001312689.2).
Identifiers: ClinVar variation 241264 (VCV000241264.19), dbSNP rs74555138, ClinGen allele CA5453052.

ClinVar aggregate classification (germline): Benign/Likely benign. Review status: criteria provided, multiple submitters, no conflicts (2 of 4 stars). 5 submissions from 5 submitters: Benign (3); Likely benign (2). Last evaluated 2026-02-01.

Conditions:
Primary ciliary dyskinesia 23 (CILD23). Also called: CILIARY DYSKINESIA, PRIMARY, 23, WITH OR WITHOUT SITUS INVERSUS. Identifiers: Orphanet 244, MedGen C3809548, MONDO:0014193, OMIM 615451.
Primary ciliary dyskinesia. Also called: Ciliary dyskinesia. Identifiers: Orphanet 244, MedGen C0008780, MONDO:0016575, HP:0012265.

Allele frequency attached by ClinVar (database versions not stated): gnomAD exomes 0.00347; ExAC 0.00436; gnomAD 0.01327 and 0.01400; TOPMed 0.01418; ESP Exome Variant Server 0.01422; 1000 Genomes Project 0.01597; 1000 Genomes Project 30x 0.01624.
gnomAD v4.1: 4,005 of 1,614,028 alleles (0.25%); highest among the groups gnomAD compares: African/African-American, 4.4%; 79 homozygotes.

Submissions (5):

Labcorp Genetics (formerly Invitae), Labcorp
Classification: Benign for Primary ciliary dyskinesia 23. Last evaluated: 2026-02-01. Review status: criteria provided, single submitter. Criteria: Invitae Variant Classification Sherloc (09022015). Collection method: clinical testing. Allele origin: germline.

Mayo Clinic Laboratories, Mayo Clinic
Classification: Benign. Last evaluated: 2023-06-21. Review status: criteria provided, single submitter. Criteria: ACMG Guidelines, 2015. Collection method: clinical testing. Allele origin: germline. Observed: 6 variant alleles.
Comment: BS1, BS2, BP4, BP7

GeneDx
Classification: Likely benign. Last evaluated: 2020-11-11. Review status: criteria provided, single submitter. Criteria: GeneDx Variant Classification Process June 2021. Collection method: clinical testing. Allele origin: germline. Affected: yes.

Ambry Genetics
Classification: Benign for Primary ciliary dyskinesia. Last evaluated: 2016-10-25. Review status: criteria provided, single submitter. Criteria: Ambry Variant Classification Scheme 2023. Collection method: clinical testing. Allele origin: germline.

Breakthrough Genomics
Classification: Likely benign. Review status: criteria provided, single submitter. Criteria: ACMG Guidelines, 2015. Collection method: not provided. Allele origin: germline. Inheritance: Autosomal recessive inheritance. Affected: yes.